The following is an entry in ClinVar:

ClinVar aggregate classification (germline): Uncertain significance (1 of 4 stars; one submission).

Submission:

CeGaT Center for Human Genetics Tuebingen
Classification: Uncertain significance. Last evaluated: 2022-03-01. Review status: criteria provided, single submitter. Criteria: CeGaT Center For Human Genetics Tuebingen Variant Classification Criteria Version 2. Collection method: clinical testing. Allele origin: germline. Affected: yes. Observed: 1 variant allele.
Comment: TNXB: PM2

NM_001365276.2(TNXB):c.1107C>A (p.Ser369Arg)

Gene: TNXB (tenascin XB; minus strand). Cytogenetic location: 6p21.33.
Variant type: single nucleotide variant.
Coding change: c.1107C>A on transcript NM_001365276.2 (MANE Select); coding-DNA position 1107, C replaced by A.
Protein change: p.Ser369Arg; replaces serine 369 with arginine.
Molecular consequence: missense variant.
Genome position (GRCh38, 1-based): chr6:32,096,746, G>T on the plus strand (C>A on the coding strand, the complement: TNXB is on the minus strand). VCF-style: chr6-32096746-G-T. GRCh37 (hg19) VCF-style: chr6-32064523-G-T.
Other names: c.1107C>A, p.Ser369Arg (NM_019105.8); short protein forms S369R.
Identifiers: ClinVar variation 1676015 (VCV001676015.33), dbSNP rs2127291792, ClinGen allele CA363483681.